The following is an entry in ClinVar:

ClinVar aggregate classification (germline): Uncertain significance. Review status: reviewed by expert panel (3 of 4 stars). 2 submissions from 2 submitters: Uncertain significance (1). 1 of the submissions does not count toward it. Last evaluated 2025-01-22.

Conditions:
Pulmonary arterial hypertension associated with congenital heart disease. Identifiers: Orphanet 275803, MedGen C3697119, MONDO:0017152.
Pulmonary arterial hypertension. Identifiers: Orphanet 182090, MedGen C2973725, MeSH D000081029, MONDO:0015924, HP:0002092.

Submissions (2):

Clingen Pulmonary Hypertension Variant Curation Expert Panel, ClinGen
Classification: Uncertain significance for Pulmonary arterial hypertension. Last evaluated: 2025-01-22. Review status: reviewed by expert panel. Criteria: ClinGen PH ACMG Specifications BMPR2 V1.1.0. Collection method: curation. Allele origin: germline. Inheritance: Autosomal dominant inheritance.
Comment: The NM_001204.7(BMPR2):c.140G>A (p.Gly47Asp) variant is a missense variant located within exon 2 of BMPR2, predicted to cause substitution of glycine to an aspartic acid. This variant is located within the conserved extracellular domain of the protein but does not affect a known critical residue (PM1_moderate met). The variant is absent from gnomAD v2.1.1 (controls) and v4.1 (PM2_supporting met). The REVEL prediction algorithm score is 0.78, which is above the threshold of 0.75 for pathogenicity (PP3_supporting met). The variant has been reported in an individual with PAH associated with congenital heart disease (PMID: 15358693) but not in patients with hereditary or idiopathic PAH (PS4 not met). Alternative alleles at the same nucleotide or amino acid have not been reported (PS1 and PM5 not met). Functional studies have not been reported (PS3 not assessed). Neither segregation or maternity/paternity data are available (PS2, PP1, BS4 not evaluated). In summary, this variant meets the criteria to be classified as a variant of unknown significance for pulmonary arterial hypertension based on the ACMG/AMP criteria applied, as specified by the ClinGen Pulmonary Hypertension VCEP: PM1_moderate, PM2_supporting, PP3_supporting (VCEP specification version 1.1.0, 1/18/2024).

Rare Disease Genomics Group, St George's University of London
Classification: Pathogenic for Pulmonary arterial hypertension associated with congenital heart disease. Review status: no assertion criteria provided. Collection method: literature only. Allele origin: germline. Affected: yes. Not counted in ClinVar's aggregate classification.

Literature cited by the submitters: PubMed 15358693 (cited by Rare Disease Genomics Group, St George's University of London).

NM_001204.7(BMPR2):c.125A>G (p.Gln42Arg)

Gene: BMPR2 (bone morphogenetic protein receptor type 2; plus strand). Cytogenetic location: 2q33.1.
Variant type: single nucleotide variant.
Coding change: c.125A>G on transcript NM_001204.7 (MANE Select); coding-DNA position 125, A replaced by G.
Protein change: p.Gln42Arg; replaces glutamine 42 with arginine.
Molecular consequence: missense variant.
Genome position (GRCh38, 1-based): chr2:202,464,857, A>G. VCF-style: chr2-202464857-A-G. GRCh37 (hg19) VCF-style: chr2-203329580-A-G.
Other names: NM_001204.7(BMPR2):c.125A>G; p.Gln42Arg; c.125A>G (LRG_712t1); short protein forms Q42R.
Identifiers: ClinVar variation 425706 (VCV000425706.2), dbSNP rs1085307167, ClinGen allele CA350399166.
Genomic context (GRCh38, chr2:202,464,857, plus strand): 5'-CCTTTATTTTAGCTTCGCAGAATCAAGAACGGCTATGTGCGTTTAAAGATCCGTATCAGC[A>G]AGACCTTGGGATAGGTGAGAGTAGAATCTCTCATGAAAATGGGACAATATTATGCTCGAA-3'
Protein context (NP_001195.2, residues 32-52): RLCAFKDPYQ[Gln42Arg]DLGIGESRIS